The following is an entry in ClinVar:

ClinVar aggregate classification (germline): Uncertain significance (1 of 4 stars; one submission).

Allele frequency attached by ClinVar (database versions not stated): TOPMed below 0.00001; gnomAD 0.00001.
gnomAD v4.1: 17 of 1,614,034 alleles (0.0011%); highest among the groups gnomAD compares: Middle Eastern, 0.033%; no homozygotes.

Submission:

Centre of Medical Genetics, University Hospital Muenster
Classification: Uncertain significance. Last evaluated: 2021-12-08. Review status: criteria provided, single submitter. Criteria: ACMG Guidelines, 2015. Collection method: clinical testing. Allele origin: unknown. Affected: yes. Observed: 1 variant allele, 1 heterozygote.
Comment: ACMG categories: PM1,PM2,PP3,BS2

NM_007118.4(TRIO):c.7987C>T (p.Arg2663Trp)

Gene: TRIO (trio Rho guanine nucleotide exchange factor; plus strand). Cytogenetic location: 5p15.2.
Variant type: single nucleotide variant.
Coding change: c.7987C>T on transcript NM_007118.4 (MANE Select); coding-DNA position 7987, C replaced by T.
Protein change: p.Arg2663Trp; replaces arginine 2663 with tryptophan.
Molecular consequence: missense variant. On other transcripts: non-coding transcript variant (1).
Genome position (GRCh38, 1-based): chr5:14,496,985, C>T. VCF-style: chr5-14496985-C-T. GRCh37 (hg19) VCF-style: chr5-14497094-C-T.
Other names: short protein forms R2663W.
Identifiers: ClinVar variation 1708425 (VCV001708425.2), dbSNP rs1367240779, ClinGen allele CA359238912.